The following is an entry in ClinVar:

NM_001110556.2(FLNA):c.271C>T (p.Arg91Cys)

Gene: FLNA (filamin A; minus strand). Cytogenetic location: Xq28.
Variant type: single nucleotide variant.
Coding change: c.271C>T on transcript NM_001110556.2 (MANE Select); coding-DNA position 271, C replaced by T.
Protein change: p.Arg91Cys; replaces arginine 91 with cysteine.
Molecular consequence: missense variant.
Genome position (GRCh38, 1-based): chrX:154,370,975, G>A on the plus strand (C>T on the coding strand, the complement: FLNA is on the minus strand). VCF-style: chrX-154370975-G-A. GRCh37 (hg19) VCF-style: chrX-153599343-G-A.
Other names: c.271C>T, p.Arg91Cys (NM_001456.4); short protein forms R91C.
Identifiers: ClinVar variation 2948748 (VCV002948748.3), dbSNP rs2522771446, ClinGen allele CA415254642.

ClinVar aggregate classification (germline): Uncertain significance (1 of 4 stars; one submission).

Conditions:
Oto-palato-digital syndrome, type II (OPD2). Also called: FACIOPALATOOSSEOUS SYNDROME; OPD II SYNDROME; Otopalatodigital Syndrome, Type II; Otopalatodigital Syndrome Type 2 (FLNA-OPD2). Identifiers: Orphanet 669, Orphanet 90652, MedGen C1844696, MONDO:0010571, OMIM 304120.
Heterotopia, periventricular, X-linked dominant (PVNH1). Also called: PERIVENTRICULAR NODULAR HETEROTOPIA 1; X-linked periventricular heterotopia; PERIVENTRICULAR NODULAR HETEROTOPIA 4; HETEROTOPIA, PERIVENTRICULAR, 1. Identifiers: Orphanet 2149, Orphanet 82004, MedGen C1848213, MONDO:0010233, OMIM 300049.
Frontometaphyseal dysplasia (FMD1). Identifiers: Orphanet 1826, MedGen C0265293, MONDO:0015942.
Melnick-Needles syndrome (MNS). Also called: MELNICK-NEEDLES OSTEODYSPLASTY; OSTEODYSPLASTY OF MELNICK AND NEEDLES; Melnick-Needles Syndrome (FLNA-MNS). Identifiers: Orphanet 2484, MedGen C0025237, MONDO:0010650, OMIM 309350.

Submission:

Labcorp Genetics (formerly Invitae), Labcorp
Classification: Uncertain significance for Oto-palato-digital syndrome, type II; Heterotopia, periventricular, X-linked dominant; Frontometaphyseal dysplasia; Melnick-Needles syndrome. Last evaluated: 2023-06-10. Review status: criteria provided, single submitter. Criteria: Invitae Variant Classification Sherloc (09022015). Collection method: clinical testing. Allele origin: germline.
Comment: In summary, the available evidence is currently insufficient to determine the role of this variant in disease. Therefore, it has been classified as a Variant of Uncertain Significance. Advanced modeling of protein sequence and biophysical properties (such as structural, functional, and spatial information, amino acid conservation, physicochemical variation, residue mobility, and thermodynamic stability) has been performed at Invitae for this missense variant, however the output from this modeling did not meet the statistical confidence thresholds required to predict the impact of this variant on FLNA protein function. This variant has not been reported in the literature in individuals affected with FLNA-related conditions. This variant is not present in population databases (gnomAD no frequency). This sequence change replaces arginine, which is basic and polar, with cysteine, which is neutral and slightly polar, at codon 91 of the FLNA protein (p.Arg91Cys).